The following is an entry in ClinVar:

ClinVar aggregate classification (germline): Likely benign. Review status: criteria provided, multiple submitters, no conflicts (2 of 4 stars). 2 submissions from 2 submitters: Likely benign (2). Last evaluated 2026-01-13.

gnomAD v4.1: 62 of 1,577,848 alleles (0.0039%); highest among the groups gnomAD compares: Non-Finnish European, 0.005%; no homozygotes.

Submissions (2):

Labcorp Genetics (formerly Invitae), Labcorp
Classification: Likely benign. Last evaluated: 2026-01-13. Review status: criteria provided, single submitter. Criteria: Invitae Variant Classification Sherloc (09022015). Collection method: clinical testing. Allele origin: germline.

Mayo Clinic Laboratories, Mayo Clinic
Classification: Likely benign. Last evaluated: 2025-10-17. Review status: criteria provided, single submitter. Criteria: ACMG Guidelines, 2015. Collection method: clinical testing. Allele origin: germline. Observed: 1 variant allele.
Comment: BP4, BP7

NM_004750.5(CRLF1):c.169C>T (p.Leu57=)

Gene: CRLF1 (cytokine receptor like factor 1; minus strand). Cytogenetic location: 19p13.11.
Variant type: single nucleotide variant.
Coding change: c.169C>T on transcript NM_004750.5 (MANE Select); coding-DNA position 169, C replaced by T.
Protein change: p.Leu57=; no amino-acid change (leucine 57 retained).
Molecular consequence: synonymous variant.
Genome position (GRCh38, 1-based): chr19:18,599,793, G>A on the plus strand (C>T on the coding strand, the complement: CRLF1 is on the minus strand). VCF-style: chr19-18599793-G-A. GRCh37 (hg19) VCF-style: chr19-18710603-G-A.
Other names: p.Leu57=.
Identifiers: ClinVar variation 4684365 (VCV004684365.2).